The following is an entry in ClinVar:

ClinVar aggregate classification (germline): Uncertain significance. Review status: criteria provided, multiple submitters, no conflicts (2 of 4 stars). 2 submissions from 2 submitters: Uncertain significance (2). Last evaluated 2026-06-29.

Conditions:
Inborn genetic diseases. Identifiers: MedGen C0950123, MeSH D030342.

gnomAD v4.1: 2 of 1,613,586 alleles (0.00012%); highest among the groups gnomAD compares: Non-Finnish European, 0.00017%; no homozygotes.

Submissions (2):

Ambry Genetics
Classification: Uncertain significance for Inborn genetic diseases. Last evaluated: 2026-06-29. Review status: criteria provided, single submitter. Criteria: Ambry Variant Classification Scheme 2023. Collection method: clinical testing. Allele origin: germline.

GeneDx
Classification: Uncertain significance. Last evaluated: 2024-09-27. Review status: criteria provided, single submitter. Criteria: GeneDx Variant Classification Process June 2021. Collection method: clinical testing. Allele origin: germline. Affected: yes.
Comment: Not observed at significant frequency in large population cohorts (gnomAD); In silico analysis indicates that this missense variant does not alter protein structure/function; Has not been previously published as pathogenic or benign to our knowledge

NM_014991.6(WDFY3):c.10159G>A (p.Glu3387Lys)

Gene: WDFY3 (WD repeat and FYVE domain containing 3; minus strand). Cytogenetic location: 4q21.23.
Variant type: single nucleotide variant.
Coding change: c.10159G>A on transcript NM_014991.6 (MANE Select); coding-DNA position 10159, G replaced by A.
Protein change: p.Glu3387Lys; replaces glutamic acid 3387 with lysine.
Molecular consequence: missense variant.
Genome position (GRCh38, 1-based): chr4:84,678,268, C>T on the plus strand (G>A on the coding strand, the complement: WDFY3 is on the minus strand). VCF-style: chr4-84678268-C-T. GRCh37 (hg19) VCF-style: chr4-85599421-C-T.
Other names: short protein forms E3387K.
Identifiers: ClinVar variation 3776446 (VCV003776446.2).
Genomic context (GRCh38, chr4:84,678,268, plus strand): 5'-TGTCCTTTCGATCAAAGGCTGTGTGCATAGTCAGCTTACTCCTGAACACCAGCTGCCGTT[C>T]CCATCGGTACCCTGGAATGGAGAAGTGGAGGACACAACATAACTCAACTGAGAGAAGCCA-3'
Protein context (NP_055806.2, residues 3377-3397): YSRLKPGYRW[Glu3387Lys]RQLVFRSKLT